The following is an entry in ClinVar:

NM_024675.4(PALB2):c.3427C>G (p.Leu1143Val)

Gene: PALB2 (partner and localizer of BRCA2; minus strand). Cytogenetic location: 16p12.2.
Variant type: single nucleotide variant.
Coding change: c.3427C>G on transcript NM_024675.4 (MANE Select); coding-DNA position 3427, C replaced by G.
Protein change: p.Leu1143Val; replaces leucine 1143 with valine.
Molecular consequence: missense variant.
Genome position (GRCh38, 1-based): chr16:23,603,593, G>C on the plus strand (C>G on the coding strand, the complement: PALB2 is on the minus strand). VCF-style: chr16-23603593-G-C. GRCh37 (hg19) VCF-style: chr16-23614914-G-C.
Other names: short protein forms L1143V.
Identifiers: ClinVar variation 650948 (VCV000650948.12), dbSNP rs368694141, ClinGen allele CA395138183.

ClinVar aggregate classification (germline): Uncertain significance. Review status: criteria provided, multiple submitters, no conflicts (2 of 4 stars). 2 submissions from 2 submitters: Uncertain significance (2). Last evaluated 2024-10-13.

Conditions:
Hereditary cancer-predisposing syndrome. Also called: Neoplastic Syndromes, Hereditary; Tumor predisposition; Hereditary Cancer Syndrome; Hereditary neoplastic syndrome. Identifiers: Orphanet 140162, MedGen C0027672, MeSH D009386, MONDO:0015356.
Familial cancer of breast. Also called: hereditary breast carcinoma; Hereditary breast cancer; BREAST CANCER, FAMILIAL. Identifiers: Orphanet 227535, MedGen C0346153, MONDO:0016419, OMIM 114480. Disease mechanism: loss of function.

Submissions (2):

Labcorp Genetics (formerly Invitae), Labcorp
Classification: Uncertain significance for Familial cancer of breast. Last evaluated: 2024-10-13. Review status: criteria provided, single submitter. Criteria: Invitae Variant Classification Sherloc (09022015). Collection method: clinical testing. Allele origin: germline.
Comment: This sequence change replaces leucine, which is neutral and non-polar, with valine, which is neutral and non-polar, at codon 1143 of the PALB2 protein (p.Leu1143Val). This variant is not present in population databases (gnomAD no frequency). This missense change has been observed in individual(s) with breast cancer (PMID: 23021409). ClinVar contains an entry for this variant (Variation ID: 650948). An algorithm developed to predict the effect of missense changes on protein structure and function (PolyPhen-2) suggests that this variant is likely to be disruptive. In summary, the available evidence is currently insufficient to determine the role of this variant in disease. Therefore, it has been classified as a Variant of Uncertain Significance.

Ambry Genetics
Classification: Uncertain significance for Hereditary cancer-predisposing syndrome. Last evaluated: 2022-02-10. Review status: criteria provided, single submitter. Criteria: Ambry Variant Classification Scheme 2023. Collection method: clinical testing. Allele origin: germline.
Comment: The p.L1143V variant (also known as c.3427C>G), located in coding exon 13 of the PALB2 gene, results from a C to G substitution at nucleotide position 3427. The leucine at codon 1143 is replaced by valine, an amino acid with highly similar properties. This amino acid position is well conserved in available vertebrate species. In addition, this alteration is predicted to be tolerated by in silico analysis. Since supporting evidence is limited at this time, the clinical significance of this alteration remains unclear.

Literature cited by the submitters: PubMed 23021409 (cited by Labcorp Genetics (formerly Invitae), Labcorp).